The following is an entry in ClinVar:

NM_006648.4(WNK2):c.4911G>C (p.Glu1637Asp)

Gene: WNK2 (WNK lysine deficient protein kinase 2; plus strand). Cytogenetic location: 9q22.31.
Variant type: single nucleotide variant.
Coding change: c.4911G>C on transcript NM_006648.4 (MANE Select); coding-DNA position 4911, G replaced by C.
Protein change: p.Glu1637Asp; replaces glutamic acid 1637 with aspartic acid.
Molecular consequence: missense variant.
Genome position (GRCh38, 1-based): chr9:93,290,022, G>C. VCF-style: chr9-93290022-G-C. GRCh37 (hg19) VCF-style: chr9-96052304-G-C.
Other names: c.5022G>C, p.Glu1674Asp (NM_001282394.3); short protein forms E1637D, E1674D.
Identifiers: ClinVar variation 4866656 (VCV004866656.1).

ClinVar aggregate classification (germline): Uncertain significance (1 of 4 stars; one submission).

Submission:

Ambry Genetics
Classification: Uncertain significance. Last evaluated: 2026-05-14. Review status: criteria provided, single submitter. Criteria: Ambry Variant Classification Scheme 2023. Collection method: clinical testing. Allele origin: germline.
Comment: The p.E1637D variant (also known as c.4911G>C), located in coding exon 20 of the WNK2 gene, results from a G to C substitution at nucleotide position 4911. The glutamic acid at codon 1637 is replaced by aspartic acid, an amino acid with highly similar properties. This amino acid position is conserved. In addition, this alteration is predicted to be tolerated by in silico analysis. Based on the available evidence, the clinical significance of this variant remains unclear.